The following is an entry in ClinVar:

GRCh38/hg38 21q22.11(chr21:33437186-33767838)x3

Genes: CRYZL1 (crystallin zeta like 1; minus strand), DNAJC28 (DnaJ heat shock protein family (Hsp40) member C28; minus strand), DONSON (DNA replication fork stabilization factor DONSON; minus strand), GART (phosphoribosylglycinamide formyltransferase, phosphoribosylglycinamide synthetase, phosphoribosylaminoimidazole synthetase; minus strand), IFNGR2 (interferon gamma receptor 2; plus strand) and 13 more. Cytogenetic location: 21q22.11.
Variant type: copy number gain.
Change: copy number 3 (three copies instead of two) of chr21:33,437,186-33,767,838 (330.7 kb, GRCh38 coordinates, 1-based), cytogenetic band 21q22.11.
Identifiers: ClinVar variation 59003 (VCV000059003.1).

ClinVar aggregate classification (germline): Uncertain significance (1 of 4 stars; one submission).

Submission:

ISCA site 15
Classification: Uncertain significance. Last evaluated: 2011-08-12. Review status: criteria provided, single submitter. Criteria: Kaminsky et al. (Genet Med. 2011). Collection method: clinical testing. Allele origin: unknown. Affected: yes. Observed: 1 variant allele.
Comment: Copy number variation identified through the course of routine clinical cytogenomic testing in postnatal populations. Clinical assertions have been curated as described in Kaminsky et al. 2011.